The following is an entry in ClinVar:

NM_006912.6(RIT1):c.433A>G (p.Thr145Ala)

Gene: RIT1 (Ras like without CAAX 1; minus strand). Cytogenetic location: 1q22.
Variant type: single nucleotide variant.
Coding change: c.433A>G on transcript NM_006912.6 (MANE Select); coding-DNA position 433, A replaced by G.
Protein change: p.Thr145Ala; replaces threonine 145 with alanine.
Molecular consequence: missense variant.
Genome position (GRCh38, 1-based): chr1:155,900,615, T>C on the plus strand (A>G on the coding strand, the complement: RIT1 is on the minus strand). VCF-style: chr1-155900615-T-C. GRCh37 (hg19) VCF-style: chr1-155870406-T-C.
Other names: c.433A>G (NM_006912.4); c.325A>G, p.Thr109Ala (NM_001256820.2); c.484A>G, p.Thr162Ala (NM_001256821.2); short protein forms T109A, T145A, T162A.
Identifiers: ClinVar variation 2990085 (VCV002990085.4), dbSNP rs2527171675, ClinGen allele CA342801629.

ClinVar aggregate classification (germline): Uncertain significance. Review status: criteria provided, multiple submitters, no conflicts (2 of 4 stars). 2 submissions from 2 submitters: Uncertain significance (2). Last evaluated 2024-09-14.

Conditions:
Noonan syndrome 8 (NS8). Identifiers: Orphanet 648, MedGen C3809233, MONDO:0014143, OMIM 615355.
Cardiovascular phenotype. Identifiers: MedGen CN230736.

Allele frequency attached by ClinVar (database versions not stated): gnomAD exomes below 0.00001.
gnomAD v4.1: 1 of 1,613,454 alleles (0.000062%); highest among the groups gnomAD compares: Non-Finnish European, 0.000085%; no homozygotes.

Submissions (2):

Ambry Genetics
Classification: Uncertain significance for Cardiovascular phenotype. Last evaluated: 2024-09-14. Review status: criteria provided, single submitter. Criteria: Ambry Variant Classification Scheme 2023. Collection method: clinical testing. Allele origin: germline.
Comment: The p.T145A variant (also known as c.433A>G), located in coding exon 5 of the RIT1 gene, results from an A to G substitution at nucleotide position 433. The threonine at codon 145 is replaced by alanine, an amino acid with similar properties. This amino acid position is conserved. In addition, this alteration is predicted to be tolerated by in silico analysis. Based on the available evidence, the clinical significance of this variant remains unclear.

Labcorp Genetics (formerly Invitae), Labcorp
Classification: Uncertain significance for Noonan syndrome 8. Last evaluated: 2023-10-05. Review status: criteria provided, single submitter. Criteria: Invitae Variant Classification Sherloc (09022015). Collection method: clinical testing. Allele origin: germline.
Comment: This sequence change replaces threonine, which is neutral and polar, with alanine, which is neutral and non-polar, at codon 145 of the RIT1 protein (p.Thr145Ala). This variant is not present in population databases (gnomAD no frequency). This variant has not been reported in the literature in individuals affected with RIT1-related conditions. Advanced modeling of protein sequence and biophysical properties (such as structural, functional, and spatial information, amino acid conservation, physicochemical variation, residue mobility, and thermodynamic stability) performed at Invitae indicates that this missense variant is not expected to disrupt RIT1 protein function. In summary, the available evidence is currently insufficient to determine the role of this variant in disease. Therefore, it has been classified as a Variant of Uncertain Significance.